The following is an entry in ClinVar:

NM_000278.5(PAX2):c.272C>T (p.Ala91Val)

Gene: PAX2 (paired box 2; plus strand). Cytogenetic location: 10q24.31.
Variant type: single nucleotide variant.
Coding change: c.272C>T on transcript NM_000278.5 (MANE Select); coding-DNA position 272, C replaced by T.
Protein change: p.Ala91Val; replaces alanine 91 with valine.
Molecular consequence: missense variant.
Genome position (GRCh38, 1-based): chr10:100,750,753, C>T. VCF-style: chr10-100750753-C-T. GRCh37 (hg19) VCF-style: chr10-102510510-C-T.
Other names: c.365C>T, p.Ala122Val (NM_001304569.2); c.272C>T, p.Ala91Val (NM_003987.5, NM_003988.5, NM_003989.5 and 1 more transcripts); short protein forms A91V, A122V.
Identifiers: ClinVar variation 635537 (VCV000635537.4), dbSNP rs1589813617, ClinGen allele CA378257913.

ClinVar aggregate classification (germline): Uncertain significance. Review status: criteria provided, single submitter (1 of 4 stars). 2 submissions from 2 submitters: Uncertain significance (1). 1 of the submissions does not count toward it. Last evaluated 2024-08-22.

Conditions:
Renal coloboma syndrome (PAPRS). Also called: CAKUT WITH OR WITHOUT OCULAR ABNORMALITIES; CONGENITAL ANOMALIES OF THE KIDNEY AND URINARY TRACT WITH OR WITHOUT OCULAR ABNORMALITIES; OPTIC COLOBOMA, VESICOURETERAL REFLUX, AND RENAL ANOMALIES; OPTIC NERVE COLOBOMA WITH RENAL DISEASE; RENAL-COLOBOMA SYNDROME WITH MACULAR ABNORMALITIES; PAPILLORENAL SYNDROME. Identifiers: Orphanet 1475, MedGen C1852759, MONDO:0007352, OMIM 120330.
Focal segmental glomerulosclerosis 7 (FSGS7). Identifiers: Orphanet 656, MedGen C4014925, MONDO:0014451, OMIM 616002.

Submissions (2):

Labcorp Genetics (formerly Invitae), Labcorp
Classification: Uncertain significance for Renal coloboma syndrome; Focal segmental glomerulosclerosis 7. Last evaluated: 2024-08-22. Review status: criteria provided, single submitter. Criteria: Invitae Variant Classification Sherloc (09022015). Collection method: clinical testing. Allele origin: germline.
Comment: This sequence change replaces alanine, which is neutral and non-polar, with valine, which is neutral and non-polar, at codon 91 of the PAX2 protein (p.Ala91Val). This variant is not present in population databases (gnomAD no frequency). This missense change has been observed in individual(s) with clinical features of PAX2-related conditions (PMID: 31060108, 33712733). ClinVar contains an entry for this variant (Variation ID: 635537). Experimental studies and prediction algorithms are not available or were not evaluated, and the functional significance of this variant is currently unknown. In summary, the available evidence is currently insufficient to determine the role of this variant in disease. Therefore, it has been classified as a Variant of Uncertain Significance.

Bioscientia Institut fuer Medizinische Diagnostik GmbH, Sonic Healthcare
Classification: Uncertain significance for Focal segmental glomerulosclerosis 7. Last evaluated: 2018-12-28. Review status: no assertion criteria provided. Collection method: clinical testing. Allele origin: germline. Affected: yes. Not counted in ClinVar's aggregate classification.

Literature cited by the submitters: PubMed 31060108 (cited by Labcorp Genetics (formerly Invitae), Labcorp); PubMed 33712733 (cited by Labcorp Genetics (formerly Invitae), Labcorp).